The following is an entry in ClinVar:

NM_000059.4(BRCA2):c.91del (p.Trp31fs)

Gene: BRCA2 (BRCA2 DNA repair associated; plus strand). Cytogenetic location: 13q13.1.
Variant type: Deletion.
Coding change: c.91del on transcript NM_000059.4 (MANE Select); coding-DNA position 91, one base deleted (T; older notation c.91delT).
Protein change: p.Trp31fs; shifts the reading frame from tryptophan 31.
Molecular consequence: frameshift variant.
Genome position (GRCh38, 1-based): chr13:32,319,100, T deleted; the last of 2 consecutive T bases (chr13:32,319,099-32,319,100); deleting either gives the same sequence. VCF-style (leftmost placement, unchanged base first): chr13-32319098-AT-A. GRCh37 (hg19) VCF-style: chr13-32893235-AT-A.
Other names: c.91delT (NM_000059.3); short protein forms W31fs.
Identifiers: ClinVar variation 568067 (VCV000568067.7), dbSNP rs1566215685, ClinGen allele CA891844484.

ClinVar aggregate classification (germline): Pathogenic (1 of 4 stars; one submission).

Conditions:
Hereditary breast ovarian cancer syndrome. Also called: Hereditary breast and ovarian cancer syndrome (HBOC); Hereditary breast and ovarian cancer; Hereditary breast and/or ovarian cancer syndrome; Hereditary breast and ovarian cancer syndrome; Breast and ovarian cancer; BRCA1- and BRCA2-Associated Hereditary Breast and Ovarian Cancer. Identifiers: Orphanet 145, MedGen C0677776, MeSH D061325, MONDO:0003582. Disease mechanism: loss of function.

Submission:

Labcorp Genetics (formerly Invitae), Labcorp
Classification: Pathogenic for Hereditary breast ovarian cancer syndrome. Last evaluated: 2021-05-13. Review status: criteria provided, single submitter. Criteria: Invitae Variant Classification Sherloc (09022015). Collection method: clinical testing. Allele origin: germline.
Comment: This sequence change creates a premature translational stop signal (p.Trp31Glyfs*49) in the BRCA2 gene. It is expected to result in an absent or disrupted protein product. Loss-of-function variants in BRCA2 are known to be pathogenic (PMID: 20104584). This variant is not present in population databases (ExAC no frequency). This variant has not been reported in the literature in individuals with BRCA2-related conditions. ClinVar contains an entry for this variant (Variation ID: 568067). For these reasons, this variant has been classified as Pathogenic.

Literature cited by the submitters: PubMed 20104584.